The following is an entry in ClinVar:

NM_000277.3(PAH):c.1312A>G (p.Asn438Asp)

Gene: PAH (phenylalanine hydroxylase; minus strand). Cytogenetic location: 12q23.2.
Variant type: single nucleotide variant.
Coding change: c.1312A>G on transcript NM_000277.3 (MANE Select); coding-DNA position 1312, A replaced by G.
Protein change: p.Asn438Asp; replaces asparagine 438 with aspartic acid.
Molecular consequence: missense variant.
Genome position (GRCh38, 1-based): chr12:102,840,403, T>C on the plus strand (A>G on the coding strand, the complement: PAH is on the minus strand). VCF-style: chr12-102840403-T-C. GRCh37 (hg19) VCF-style: chr12-103234181-T-C.
Other names: c.1312A>G, p.Asn438Asp (NM_001354304.2); short protein forms N438D.
Identifiers: ClinVar variation 932270 (VCV000932270.1), dbSNP rs1874535103, ClinGen allele CA16020992.

ClinVar aggregate classification (germline): Uncertain significance (3 of 4 stars; one submission).

Conditions:
Phenylketonuria (PKU). Also called: OLIGOPHRENIA PHENYLPYRUVICA; Phenylketonurias; Phenylketonuria (PKU); FOLLING DISEASE. Identifiers: Orphanet 716, MedGen C0031485, MONDO:0009861, OMIM 261600. Disease mechanism: loss of function.

Submission:

ClinGen PAH Variant Curation Expert Panel
Classification: Uncertain significance for Phenylketonuria. Last evaluated: 2020-04-17. Review status: reviewed by expert panel. Criteria: ClinGen PAH ACMG Specifications v1. Collection method: curation. Allele origin: germline. Inheritance: Autosomal recessive inheritance.
Comment: The c.1312A>G (p.Asn438Asp) variant in PAH is not currently reported in the literature. This variant is absent from population databases (PM2). Computation evidence for this variant is conflicting. It is predicted damaging by SIFT, benign by PolyPhen2, disease causing by MutationTaster, and REVEL = 0.671. In summary, this variant meets criteria to be classified as uncertain significance for PAH. PAH-specific ACMG/AMP criteria applied: PM2.